The following is an entry in ClinVar:

ClinVar aggregate classification (germline): Likely benign. Review status: criteria provided, single submitter (1 of 4 stars). 2 submissions from 2 submitters: Likely benign (1). 1 of the submissions does not count toward it. Last evaluated 2025-03-11.

Conditions:
NUP205-related disorder. Also called: NUP205-related condition.

gnomAD v4.1: 87 of 1,609,264 alleles (0.0054%); highest among the groups gnomAD compares: South Asian, 0.092%; 3 homozygotes.

Submissions (2):

Ambry Genetics
Classification: Likely benign. Last evaluated: 2025-03-11. Review status: criteria provided, single submitter. Criteria: Ambry Variant Classification Scheme 2023. Collection method: clinical testing. Allele origin: germline.

PreventionGenetics, part of Exact Sciences
Classification: Uncertain significance for NUP205-related condition. Last evaluated: 2024-04-23. Review status: no assertion criteria provided. Collection method: clinical testing. Allele origin: germline. Not counted in ClinVar's aggregate classification.
Comment: The NUP205 c.3551A>G variant is predicted to result in the amino acid substitution p.Asn1184Ser. To our knowledge, this variant has not been reported in the literature. This variant is reported in 0.075% of alleles in individuals of South Asian descent in gnomAD. Although we suspect that this variant may be benign, at this time, the clinical significance of this variant is uncertain due to the absence of conclusive functional and genetic evidence.

NM_015135.3(NUP205):c.3551A>G (p.Asn1184Ser)

Gene: NUP205 (nucleoporin 205; plus strand). Cytogenetic location: 7q33.
Variant type: single nucleotide variant.
Coding change: c.3551A>G on transcript NM_015135.3 (MANE Select); coding-DNA position 3551, A replaced by G.
Protein change: p.Asn1184Ser; replaces asparagine 1184 with serine.
Molecular consequence: missense variant.
Genome position (GRCh38, 1-based): chr7:135,617,108, A>G. VCF-style: chr7-135617108-A-G. GRCh37 (hg19) VCF-style: chr7-135301856-A-G.
Other names: c.2477A>G, p.Asn826Ser (NM_001329434.2); short protein forms N1184S, N826S.
Identifiers: ClinVar variation 3357103 (VCV003357103.2).